The following is an entry in ClinVar:

NM_001110556.2(FLNA):c.7631C>A (p.Ala2544Asp)

Genes: FLNA (filamin A; minus strand), LOC107988032 (Xq28 proximal FLNA-EMD recombination region; plus strand). Cytogenetic location: Xq28.
Variant type: single nucleotide variant.
Coding change: c.7631C>A on transcript NM_001110556.2 (MANE Select); coding-DNA position 7631, C replaced by A.
Protein change: p.Ala2544Asp; replaces alanine 2544 with aspartic acid.
Molecular consequence: missense variant.
Genome position (GRCh38, 1-based): chrX:154,349,487, G>T on the plus strand (C>A on the coding strand, the complement: FLNA is on the minus strand). VCF-style: chrX-154349487-G-T. GRCh37 (hg19) VCF-style: chrX-153577855-G-T.
Other names: c.7607C>A, p.Ala2536Asp (NM_001456.4); c.7607C>A (NM_001456.3); short protein forms A2536D, A2544D.
Identifiers: ClinVar variation 2163794 (VCV002163794.5), dbSNP rs2067601784, ClinGen allele CA415180452.

ClinVar aggregate classification (germline): Uncertain significance. Review status: criteria provided, multiple submitters, no conflicts (2 of 4 stars). 2 submissions from 2 submitters: Uncertain significance (2). Last evaluated 2026-02-26.

Conditions:
Oto-palato-digital syndrome, type II (OPD2). Also called: FACIOPALATOOSSEOUS SYNDROME; OPD II SYNDROME; Otopalatodigital Syndrome Type 2 (FLNA-OPD2); Otopalatodigital Syndrome, Type II. Identifiers: Orphanet 669, Orphanet 90652, MedGen C1844696, MONDO:0010571, OMIM 304120.
Frontometaphyseal dysplasia (FMD1). Identifiers: Orphanet 1826, MedGen C0265293, MONDO:0015942.
Heterotopia, periventricular, X-linked dominant (PVNH1). Also called: PERIVENTRICULAR NODULAR HETEROTOPIA 1; X-linked periventricular heterotopia; PERIVENTRICULAR NODULAR HETEROTOPIA 4; HETEROTOPIA, PERIVENTRICULAR, 1. Identifiers: Orphanet 2149, Orphanet 82004, MedGen C1848213, MONDO:0010233, OMIM 300049.
Melnick-Needles syndrome (MNS). Also called: MELNICK-NEEDLES OSTEODYSPLASTY; OSTEODYSPLASTY OF MELNICK AND NEEDLES; Melnick-Needles Syndrome (FLNA-MNS). Identifiers: Orphanet 2484, MedGen C0025237, MONDO:0010650, OMIM 309350.

Allele frequency attached by ClinVar (database versions not stated): gnomAD exomes below 0.00001.
gnomAD v4.1: 3 of 1,212,059 alleles (0.00025%); highest among the groups gnomAD compares: Non-Finnish European, 0.00034%; no homozygotes.

Submissions (2):

GeneDx
Classification: Uncertain significance. Last evaluated: 2026-02-26. Review status: criteria provided, single submitter. Criteria: GeneDx Variant Classification Process June 2021. Collection method: clinical testing. Allele origin: germline.
Comment: Not observed at significant frequency in large population cohorts (gnomAD); In silico analysis suggests that this missense variant does not alter protein structure/function; Has not been previously published as pathogenic or benign to our knowledge

Labcorp Genetics (formerly Invitae), Labcorp
Classification: Uncertain significance for Oto-palato-digital syndrome, type II; Heterotopia, periventricular, X-linked dominant; Frontometaphyseal dysplasia; Melnick-Needles syndrome. Last evaluated: 2025-12-31. Review status: criteria provided, single submitter. Criteria: Invitae Variant Classification Sherloc (09022015). Collection method: clinical testing. Allele origin: germline.
Comment: This sequence change replaces alanine, which is neutral and non-polar, with aspartic acid, which is acidic and polar, at codon 2536 of the FLNA protein (p.Ala2536Asp). This variant is not present in population databases (gnomAD no frequency). This variant has not been reported in the literature in individuals affected with FLNA-related conditions. ClinVar contains an entry for this variant (Variation ID: 2163794). Invitae Evidence Modeling of protein sequence and biophysical properties (such as structural, functional, and spatial information, amino acid conservation, physicochemical variation, residue mobility, and thermodynamic stability) indicates that this missense variant is not expected to disrupt FLNA protein function with a negative predictive value of 95%. In summary, the available evidence is currently insufficient to determine the role of this variant in disease. Therefore, it has been classified as a Variant of Uncertain Significance.